The following is an entry in ClinVar:

ClinVar aggregate classification (germline): Conflicting classifications of pathogenicity. Review status: criteria provided, conflicting classifications (1 of 4 stars). 5 submissions from 1 submitter: Uncertain significance (4); Likely benign (1). Last evaluated 2018-01-13.

Conditions:
Tibial muscular dystrophy (TMD). Also called: Udd Distal Myopathy – Tibial Muscular Dystrophy; UDD MYOPATHY; Tibial muscular dystrophy, tardive. Identifiers: Orphanet 609, MedGen C1838244, MONDO:0010870, OMIM 600334.
Dilated cardiomyopathy 1G (CMD1G). Identifiers: Orphanet 154, MedGen C1858763, MONDO:0011400, OMIM 604145.
Myopathy, myofibrillar, 9, with early respiratory failure (MFM9). Also called: Myopathy, distal, with early respiratory failure, autosomal dominant; Hereditary myopathy with early respiratory failure; EDSTROM MYOPATHY; MYOPATHY, PROXIMAL, WITH EARLY RESPIRATORY MUSCLE INVOLVEMENT. Identifiers: Orphanet 178464, Orphanet 34521, MedGen C1863599, MONDO:0011362, OMIM 603689.
Early-onset myopathy with fatal cardiomyopathy (CMYO5). Also called: CONGENITAL MYOPATHY 5 WITH CARDIOMYOPATHY; Salih Myopathy. Identifiers: Orphanet 289377, MedGen C2673677, MONDO:0012714, OMIM 611705. Disease mechanism: loss of function.
Autosomal recessive limb-girdle muscular dystrophy type 2J (LGMDR10). Also called: MUSCULAR DYSTROPHY, LIMB-GIRDLE, AUTOSOMAL RECESSIVE 10; Limb-girdle muscular dystrophy, type 2J. Identifiers: Orphanet 140922, MedGen C1837342, MONDO:0012127, OMIM 608807.

Allele frequency attached by ClinVar (database versions not stated): gnomAD below 0.00001 and 0.00001; ExAC 0.00003; gnomAD exomes 0.00003 and 0.00004.
gnomAD v4.1: 41 of 1,613,926 alleles (0.0025%); highest among the groups gnomAD compares: South Asian, 0.043%; 1 homozygote.

Submissions (5):

Illumina Laboratory Services, Illumina
Classification: Uncertain significance for Autosomal recessive limb-girdle muscular dystrophy type 2J. Last evaluated: 2018-01-13. Review status: criteria provided, single submitter. Criteria: ICSL Variant Classification Criteria 13 December 2019. Collection method: clinical testing. Allele origin: germline.

Illumina Laboratory Services, Illumina
Classification: Likely benign for Tibial muscular dystrophy. Last evaluated: 2018-01-13. Review status: criteria provided, single submitter. Criteria: ICSL Variant Classification Criteria 13 December 2019. Collection method: clinical testing. Allele origin: germline.
Comment: This variant was observed in the ICSL laboratory as part of a predisposition screen in an ostensibly healthy population. It had not been previously curated by ICSL or reported in the Human Gene Mutation Database (HGMD: prior to June 1st, 2018), and was therefore a candidate for classification through an automated scoring system. Utilizing variant allele frequency, disease prevalence and penetrance estimates, and inheritance mode, an automated score was calculated to assess if this variant is too frequent to cause the disease. Based on the score and internal cut-off values, a variant classified as likely benign is not then subjected to further curation. The score for this variant resulted in a classification of likely benign for this disease.

Illumina Laboratory Services, Illumina
Classification: Uncertain significance for Myopathy, myofibrillar, 9, with early respiratory failure. Last evaluated: 2018-01-13. Review status: criteria provided, single submitter. Criteria: ICSL Variant Classification Criteria 13 December 2019. Collection method: clinical testing. Allele origin: germline.

Illumina Laboratory Services, Illumina
Classification: Uncertain significance for Early-onset myopathy with fatal cardiomyopathy. Last evaluated: 2018-01-13. Review status: criteria provided, single submitter. Criteria: ICSL Variant Classification Criteria 13 December 2019. Collection method: clinical testing. Allele origin: germline.

Illumina Laboratory Services, Illumina
Classification: Uncertain significance for Dilated cardiomyopathy 1G. Last evaluated: 2018-01-13. Review status: criteria provided, single submitter. Criteria: ICSL Variant Classification Criteria 13 December 2019. Collection method: clinical testing. Allele origin: germline.

NM_001267550.2(TTN):c.87329C>T (p.Ala29110Val)

Genes: TTN (titin; minus strand), TTN-AS1 (TTN antisense RNA 1; plus strand). Cytogenetic location: 2q31.2.
Variant type: single nucleotide variant.
Coding change: c.87329C>T on transcript NM_001267550.2 (MANE Select); coding-DNA position 87329, C replaced by T.
Protein change: p.Ala29110Val; replaces alanine 29110 with valine.
Molecular consequence: missense variant.
Genome position (GRCh38, 1-based): chr2:178,558,025, G>A on the plus strand (C>T on the coding strand, the complement: TTN is on the minus strand). VCF-style: chr2-178558025-G-A. GRCh37 (hg19) VCF-style: chr2-179422752-G-A.
Other names: c.82406C>T, p.Ala27469Val (NM_001256850.1); c.60134C>T, p.Ala20045Val (NM_003319.4); c.79625C>T, p.Ala26542Val (NM_133378.4); c.60509C>T, p.Ala20170Val (NM_133432.3); c.60710C>T, p.Ala20237Val (NM_133437.4); short protein forms A26542V, A29110V, A27469V, A20170V, A20237V, A20045V.
Identifiers: ClinVar variation 332741 (VCV000332741.5), dbSNP rs763682832, ClinGen allele CA1988331.